The following is an entry in ClinVar:

ClinVar aggregate classification (germline): Benign/Likely benign. Review status: criteria provided, multiple submitters, no conflicts (2 of 4 stars). 4 submissions from 4 submitters: Benign (3); Likely benign (1). Last evaluated 2026-02-02.

Allele frequency attached by ClinVar (database versions not stated): gnomAD exomes 0.00931 and 0.00328; 1000 Genomes Project 0.01038; 1000 Genomes Project 30x 0.01109; ESP Exome Variant Server 0.00040; gnomAD 0.00310 and 0.00366; TOPMed 0.00575; ExAC 0.00831.
gnomAD v4.1: 5,274 of 1,606,946 alleles (0.33%); highest among the groups gnomAD compares: East Asian, 4.1%; 102 homozygotes.

Submissions (4):

Labcorp Genetics (formerly Invitae), Labcorp
Classification: Benign. Last evaluated: 2026-02-02. Review status: criteria provided, single submitter. Criteria: Invitae Variant Classification Sherloc (09022015). Collection method: clinical testing. Allele origin: germline.

Blueprint Genetics
Classification: Likely benign. Last evaluated: 2024-11-25. Review status: criteria provided, single submitter. Criteria: ACMG Guidelines, 2015. Collection method: clinical testing. Allele origin: germline.

Mayo Clinic Laboratories, Mayo Clinic
Classification: Benign. Last evaluated: 2024-10-22. Review status: criteria provided, single submitter. Criteria: ACMG Guidelines, 2015. Collection method: clinical testing. Allele origin: germline. Observed: 28 variant alleles.
Comment: BS1, BS2, BP4, BP7

Breakthrough Genomics
Classification: Benign. Review status: criteria provided, single submitter. Criteria: ACMG Guidelines, 2015. Collection method: not provided. Allele origin: germline. Inheritance: Autosomal recessive inheritance. Affected: yes.

NM_001261826.3(AP3D1):c.2184G>A (p.Glu728=)

Gene: AP3D1 (adaptor related protein complex 3 subunit delta 1; minus strand). Cytogenetic location: 19p13.3.
Variant type: single nucleotide variant.
Coding change: c.2184G>A on transcript NM_001261826.3 (MANE Select); coding-DNA position 2184, G replaced by A.
Protein change: p.Glu728=; no amino-acid change (glutamic acid 728 retained).
Molecular consequence: synonymous variant.
Genome position (GRCh38, 1-based): chr19:2,115,384, C>T on the plus strand (G>A on the coding strand, the complement: AP3D1 is on the minus strand). VCF-style: chr19-2115384-C-T. GRCh37 (hg19) VCF-style: chr19-2115383-C-T.
Other names: p.Glu728=; c.2184G>A, p.Glu728= (NM_001374799.1, NM_003938.8).
Identifiers: ClinVar variation 784827 (VCV000784827.14), dbSNP rs2240654, ClinGen allele CA9058969.